The following is an entry in ClinVar:

ClinVar aggregate classification (germline): Uncertain significance. Review status: criteria provided, multiple submitters, no conflicts (2 of 4 stars). 5 submissions from 5 submitters: Uncertain significance (5). Last evaluated 2024-10-09.

Conditions:
Inborn genetic diseases. Identifiers: MedGen C0950123, MeSH D030342.
Developmental and epileptic encephalopathy, 18 (DEE18). Also called: Early infantile epileptic encephalopathy 18. Identifiers: Orphanet 369894, MedGen C3809624, MONDO:0014201, OMIM 615476.

Allele frequency attached by ClinVar (database versions not stated): TOPMed below 0.00001; gnomAD 0.00001; gnomAD exomes 0.00002 and 0.00006; ExAC 0.00008.
gnomAD v4.1: 39 of 1,613,946 alleles (0.0024%); highest among the groups gnomAD compares: Admixed American, 0.025%; no homozygotes.

Submissions (5):

Labcorp Genetics (formerly Invitae), Labcorp
Classification: Uncertain significance. Last evaluated: 2024-10-09. Review status: criteria provided, single submitter. Criteria: Invitae Variant Classification Sherloc (09022015). Collection method: clinical testing. Allele origin: germline.
Comment: This sequence change replaces arginine, which is basic and polar, with glutamine, which is neutral and polar, at codon 3101 of the SZT2 protein (p.Arg3101Gln). This variant is present in population databases (rs200187525, gnomAD 0.04%). This variant has not been reported in the literature in individuals affected with SZT2-related conditions. ClinVar contains an entry for this variant (Variation ID: 648206). Invitae Evidence Modeling of protein sequence and biophysical properties (such as structural, functional, and spatial information, amino acid conservation, physicochemical variation, residue mobility, and thermodynamic stability) indicates that this missense variant is not expected to disrupt SZT2 protein function with a negative predictive value of 80%. In summary, the available evidence is currently insufficient to determine the role of this variant in disease. Therefore, it has been classified as a Variant of Uncertain Significance.

GeneDx
Classification: Uncertain significance. Last evaluated: 2023-04-14. Review status: criteria provided, single submitter. Criteria: GeneDx Variant Classification Process June 2021. Collection method: clinical testing. Allele origin: germline. Affected: yes.
Comment: In silico analysis supports that this missense variant does not alter protein structure/function; Has not been previously published as pathogenic or benign to our knowledge

Genome-Nilou Lab
Classification: Uncertain significance for Developmental and epileptic encephalopathy, 18. Last evaluated: 2023-04-11. Review status: criteria provided, single submitter. Criteria: ACMG Guidelines, 2015. Collection method: clinical testing. Allele origin: germline. Affected: no.

Blueprint Genetics
Classification: Uncertain significance. Last evaluated: 2021-03-31. Review status: criteria provided, single submitter. Criteria: ACMG Guidelines, 2015. Collection method: clinical testing. Allele origin: germline.

Ambry Genetics
Classification: Uncertain significance for Inborn genetic diseases. Last evaluated: 2017-07-21. Review status: criteria provided, single submitter. Criteria: Ambry Variant Classification Scheme 2023. Collection method: clinical testing. Allele origin: germline.
Comment: The p.R3101Q variant (also known as c.9302G>A), located in coding exon 67 of the SZT2 gene, results from a G to A substitution at nucleotide position 9302. The arginine at codon 3101 is replaced by glutamine, an amino acid with highly similar properties. This amino acid position is well conserved in available vertebrate species. In addition, this alteration is predicted to be tolerated by in silico analysis. Since supporting evidence is limited at this time, the clinical significance of this alteration remains unclear.

NM_001365999.1(SZT2):c.9473G>A (p.Arg3158Gln)

Genes: SZT2 (SZT2 subunit of KICSTOR complex; plus strand), SZT2-AS1 (SZT2 antisense RNA 1; minus strand). Cytogenetic location: 1p34.2.
Variant type: single nucleotide variant.
Coding change: c.9473G>A on transcript NM_001365999.1 (MANE Select); coding-DNA position 9473, G replaced by A.
Protein change: p.Arg3158Gln; replaces arginine 3158 with glutamine.
Molecular consequence: missense variant. On other transcripts: non-coding transcript variant (1).
Genome position (GRCh38, 1-based): chr1:43,447,881, G>A. VCF-style: chr1-43447881-G-A. GRCh37 (hg19) VCF-style: chr1-43913552-G-A.
Other names: c.9302G>A, p.Arg3101Gln (NM_015284.4); short protein forms R3101Q, R3158Q.
Identifiers: ClinVar variation 648206 (VCV000648206.12), dbSNP rs200187525, ClinGen allele CA810927.
Genomic context (GRCh38, chr1:43,447,881, plus strand): 5'-TGACATCTCCCCAACCCGTCCTGCACAGTTCTGGCTCCTACCTGGACTCTGAGGGACTTC[G>A]ACACCAGGATGACTTTGATGTGTCTCTGCTTGTCTGTCACTGTGCTGCACCCTTTGAGGA-3'
Protein context (NP_001352928.1, residues 3148-3168): SGSYLDSEGL[Arg3158Gln]HQDDFDVSLL